The following is an entry in ClinVar:

NM_199069.2(NDUFAF3):c.489_490del (p.Gly164fs)

Gene: NDUFAF3 (NADH:ubiquinone oxidoreductase complex assembly factor 3; plus strand). Cytogenetic location: 3p21.31.
Variant type: Deletion.
Coding change: c.489_490del on transcript NM_199069.2 (MANE Select); coding-DNA positions 489 to 490, 2 bases deleted (TG; older notation c.489_490delTG).
Protein change: p.Gly164fs; shifts the reading frame from glycine 164.
Molecular consequence: frameshift variant.
Genome position (GRCh38, 1-based): chr3:49,023,106-49,023,107, TG deleted. VCF-style (leftmost placement, unchanged base first): chr3-49023105-CTG-C. GRCh37 (hg19) VCF-style: chr3-49060538-CTG-C.
Other names: c.318_319del, p.Gly107fs (NM_199070.2, NM_199073.2, NM_199074.2); short protein forms G164fs, G107fs.
Identifiers: ClinVar variation 372432 (VCV000372432.8), dbSNP rs746835381, ClinGen allele CA2390331.
Genomic context (GRCh38, chr3:49,023,105, plus strand): 5'-TTTCTTTGCAGCCCAATGCCTGTGCCACCTTCAACTTCCTGTGTCATGAAGGCCGAGTAA[CTG>C]GAGCTGCTCTCATCCCTCCACCAGGAGGGACTTCACTTACATCTTTGGGCCAAGCTGCTC-3'

ClinVar aggregate classification (germline): Conflicting classifications of pathogenicity. Review status: criteria provided, conflicting classifications (1 of 4 stars). 5 submissions from 5 submitters: Pathogenic (1); Likely pathogenic (3); Uncertain significance (1). Last evaluated 2023-03-10.

Conditions:
Mitochondrial complex I deficiency, nuclear type 18. Also called: Mitochondrial complex 1 deficiency, nuclear type 18. Identifiers: MedGen C4748790, MONDO:0032623, OMIM 618240.
Inborn genetic diseases. Identifiers: MedGen C0950123, MeSH D030342.

Allele frequency attached by ClinVar (database versions not stated): TOPMed 0.00004; ExAC 0.00007; gnomAD 0.00007; gnomAD exomes 0.00008 and 0.00016.

Submissions (5):

Department of Pathology and Laboratory Medicine, Sinai Health System
Classification: Likely pathogenic for Mitochondrial complex I deficiency, nuclear type 18. Last evaluated: 2023-03-10. Review status: criteria provided, single submitter. Criteria: ACMG Guidelines, 2015. Collection method: research. Allele origin: germline.

Ambry Genetics
Classification: Uncertain significance for Inborn genetic diseases. Last evaluated: 2022-07-08. Review status: criteria provided, single submitter. Criteria: Ambry Variant Classification Scheme 2023. Collection method: clinical testing. Allele origin: germline.
Comment: The c.489_490delTG (p.G164Sfs*29) alteration, located in exon 5 (coding exon 5) of the NDUFAF3 gene, consists of a deletion of 2 nucleotides from position 489 to 490, causing a translational frameshift with a predicted alternate stop codon after 29 amino acids. This alteration occurs at the 3' terminus of the NDUFAF3 gene, is not expected to trigger nonsense-mediated mRNA decay and results in the elongation of the protein by 9 amino acids. This frameshift impacts the last 20 amino acids (10.87%) of the native protein. The exact functional effect of the altered amino acids is unknown. Based on data from gnomAD, the c.489_490delTG allele has an overall frequency of 0.01% (24/282846) total alleles studied. The highest observed frequency was 0.02% (23/129164) of European (non-Finnish) alleles. This variant was detected in the compound heterozygous state with a missense variant in a patient with failure to thrive, stridor, global developmental delay, elevated CSF lactate, and abnormal brain MRI (Walker, 2022). Based on insufficient or conflicting evidence, the clinical significance of this alteration remains unclear.

Fulgent Genetics
Classification: Likely pathogenic for Mitochondrial complex I deficiency, nuclear type 18. Last evaluated: 2022-02-14. Review status: criteria provided, single submitter. Criteria: ACMG Guidelines, 2015. Collection method: clinical testing. Allele origin: unknown.

Genetics and Genomic Medicine Centre, NeuroGen Healthcare, NeuroGen Healthcare
Classification: Pathogenic for Mitochondrial complex I deficiency, nuclear type 18. Last evaluated: 2021-11-17. Review status: criteria provided, single submitter. Criteria: Submitter's publication. Collection method: clinical testing. Allele origin: unknown. Affected: no.

GeneDx
Classification: Likely pathogenic. Last evaluated: 2016-02-09. Review status: criteria provided, single submitter. Criteria: GeneDx Variant Classification (06012015). Collection method: clinical testing. Allele origin: germline. Affected: yes.
Comment: The c.489_490delTG variant in the NDUFAF3 gene has not been reported previously as a pathogenic variant nor as a benign variant, to our knowledge. The c.489_490delTG variant causes a frameshift starting with codon Glycine 164, changes this amino acid to a Serine residue, and creates a premature Stop codon at position 29 of the new reading frame, denoted p.Gly164SerfsX29. The c.489_490delTG variant was not observed in approximately 6500 individuals of European and African American ancestry in the NHLBI Exome Sequencing Project, indicating it is not a common benign variant in these populations. The c.489_490delTG variant is a strong candidate for a pathogenic variant, however the possibility it may be a rare benign variant cannot be excluded.

Literature cited by the submitters: PubMed 34656053 (cited by Ambry Genetics).